The following is an entry in ClinVar:

NM_004782.4(SNAP29):c.-19C>T

Genes: PI4KA (phosphatidylinositol 4-kinase alpha; minus strand), SNAP29 (synaptosome associated protein 29; plus strand). Cytogenetic location: 22q11.21.
Variant type: single nucleotide variant.
Coding change: c.-19C>T on transcript NM_004782.4 (MANE Select); 19 bases upstream of the start codon, C replaced by T.
Molecular consequence: 5 prime UTR variant.
Genome position (GRCh38, 1-based): chr22:20,859,092, C>T. VCF-style: chr22-20859092-C-T. GRCh37 (hg19) VCF-style: chr22-21213380-C-T.
Identifiers: ClinVar variation 340826 (VCV000340826.12), dbSNP rs1061063, ClinGen allele CA10116970.

ClinVar aggregate classification (germline): Benign. Review status: criteria provided, multiple submitters, no conflicts (2 of 4 stars). 8 submissions from 7 submitters: Benign (6). 2 of the submissions do not count toward it. Last evaluated 2024-11-28.

Conditions:
CEDNIK syndrome. Also called: CEREBRAL DYSGENESIS, NEUROPATHY, ICHTHYOSIS, AND PALMOPLANTAR KERATODERMA SYNDROME; Cerebral dysgenesis, neuropathy, ichthyosis, and palmoplantar keratoderma. Identifiers: Orphanet 66631, MedGen C1836033, MONDO:0012290, OMIM 609528.

Allele frequency attached by ClinVar (database versions not stated): 1000 Genomes Project 30x 0.45628; 1000 Genomes Project 0.46386; TOPMed 0.47853; ESP Exome Variant Server 0.48199; gnomAD 0.50257 and 0.50499; gnomAD exomes 0.52659; ExAC 0.54728.

Submissions (8):

Blueprint Genetics
Classification: Benign. Last evaluated: 2024-11-28. Review status: criteria provided, single submitter. Criteria: ACMG Guidelines, 2015. Collection method: clinical testing. Allele origin: germline.

Genome-Nilou Lab
Classification: Benign for CEDNIK syndrome. Last evaluated: 2021-07-15. Review status: criteria provided, single submitter. Criteria: ACMG Guidelines, 2015. Collection method: clinical testing. Allele origin: germline. Affected: no.

GeneDx
Classification: Benign. Last evaluated: 2021-06-20. Review status: criteria provided, single submitter. Criteria: GeneDx Variant Classification Process June 2021. Collection method: clinical testing. Allele origin: germline. Affected: yes.

Illumina Laboratory Services, Illumina
Classification: Benign for CEDNIK syndrome. Last evaluated: 2018-01-12. Review status: criteria provided, single submitter. Criteria: ICSL Variant Classification Criteria 13 December 2019. Collection method: clinical testing. Allele origin: germline.
Comment: This variant was observed in the ICSL laboratory as part of a predisposition screen in an ostensibly healthy population. It had not been previously curated by ICSL or reported in the Human Gene Mutation Database (HGMD: prior to June 1st, 2018), and was therefore a candidate for classification through an automated scoring system. Utilizing variant allele frequency, disease prevalence and penetrance estimates, and inheritance mode, an automated score was calculated to assess if this variant is too frequent to cause the disease. Based on the score and internal cut-off values, a variant classified as benign is not then subjected to further curation. The score for this variant resulted in a classification of benign for this disease.

Clinical Genetics DNA and cytogenetics Diagnostics Lab, Erasmus MC, Erasmus Medical Center
Classification: Benign for CEDNIK syndrome. Last evaluated: 2017-05-31. Review status: criteria provided, single submitter. Criteria: ACGS Guidelines, 2013. Collection method: clinical testing. Allele origin: germline. Affected: yes. Study: VKGL Data-share Consensus.

Breakthrough Genomics
Classification: Benign. Review status: criteria provided, single submitter. Criteria: ACMG Guidelines, 2015. Collection method: not provided. Allele origin: germline. Inheritance: Autosomal recessive inheritance. Affected: yes.

Diagnostic Laboratory, Department of Genetics, University Medical Center Groningen
Classification: Benign for CEDNIK syndrome. Review status: no assertion criteria provided. Collection method: clinical testing. Allele origin: germline. Affected: yes. Study: VKGL Data-share Consensus. Not counted in ClinVar's aggregate classification.

GeneDx
Classification: Benign. Last evaluated: 2015-07-06. Review status: flagged submission. Criteria: GeneDx Variant Classification (06012015). Collection method: clinical testing. Allele origin: germline. Affected: yes. Not counted in ClinVar's aggregate classification.
Comment: This variant is considered likely benign or benign based on one or more of the following criteria: it is a conservative change, it occurs at a poorly conserved position in the protein, it is predicted to be benign by multiple in silico algorithms, and/or has population frequency not consistent with disease.
ClinVar note: Reason: This record appears to be redundant with a more recent record from the same submitter.
ClinVar note: Notes: SCV000514715 appears to be redundant with SCV001885842.